The following is an entry in ClinVar:

ClinVar aggregate classification (germline): Uncertain significance. Review status: criteria provided, multiple submitters, no conflicts (2 of 4 stars). 2 submissions from 2 submitters: Uncertain significance (2). Last evaluated 2024-08-10.

gnomAD v4.1: 2 of 1,613,920 alleles (0.00012%); highest among the groups gnomAD compares: Non-Finnish European, 0.00017%; no homozygotes.

Submissions (2):

Ambry Genetics
Classification: Uncertain significance. Last evaluated: 2024-08-10. Review status: criteria provided, single submitter. Criteria: Ambry Variant Classification Scheme 2023. Collection method: clinical testing. Allele origin: germline.

Labcorp Genetics (formerly Invitae), Labcorp
Classification: Uncertain significance. Last evaluated: 2024-04-02. Review status: criteria provided, single submitter. Criteria: Invitae Variant Classification Sherloc (09022015). Collection method: clinical testing. Allele origin: germline.
Comment: This sequence change replaces asparagine, which is neutral and polar, with lysine, which is basic and polar, at codon 302 of the EIF2AK1 protein (p.Asn302Lys). This variant is not present in population databases (gnomAD no frequency). This variant has not been reported in the literature in individuals affected with EIF2AK1-related conditions. An algorithm developed to predict the effect of missense changes on protein structure and function (PolyPhen-2) suggests that this variant is likely to be tolerated. In summary, the available evidence is currently insufficient to determine the role of this variant in disease. Therefore, it has been classified as a Variant of Uncertain Significance.

NM_014413.4(EIF2AK1):c.906C>A (p.Asn302Lys)

Gene: EIF2AK1 (eukaryotic translation initiation factor 2 alpha kinase 1; minus strand). Cytogenetic location: 7p22.1.
Variant type: single nucleotide variant.
Coding change: c.906C>A on transcript NM_014413.4 (MANE Select); coding-DNA position 906, C replaced by A.
Protein change: p.Asn302Lys; replaces asparagine 302 with lysine.
Molecular consequence: missense variant.
Genome position (GRCh38, 1-based): chr7:6,041,105, G>T on the plus strand (C>A on the coding strand, the complement: EIF2AK1 is on the minus strand). VCF-style: chr7-6041105-G-T. GRCh37 (hg19) VCF-style: chr7-6080736-G-T.
Other names: c.903C>A, p.Asn301Lys (NM_001134335.2); short protein forms N302K, N301K.
Identifiers: ClinVar variation 3507481 (VCV003507481.3).